The following is an entry in ClinVar:

NM_133379.5(TTN):c.13252T>A (p.Tyr4418Asn)

Gene: TTN (titin; minus strand). Cytogenetic location: 2q31.2.
Variant type: single nucleotide variant.
Coding change: c.13252T>A on transcript NM_133379.5 (MANE Plus Clinical); coding-DNA position 13252, T replaced by A.
Protein change: p.Tyr4418Asn; replaces tyrosine 4418 with asparagine.
Molecular consequence: missense variant. On other transcripts: intron variant (6).
Genome position (GRCh38, 1-based): chr2:178,749,148, A>T on the plus strand (T>A on the coding strand, the complement: TTN is on the minus strand). VCF-style: chr2-178749148-A-T. GRCh37 (hg19) VCF-style: chr2-179613875-A-T.
Other names: c.10222+3976T>A (NM_003319.4); c.10798+3976T>A (NM_133437.4); c.10597+3976T>A (NM_133432.3); c.10360+3976T>A (NM_133378.4, NM_001256850.1); c.11311+3976T>A (NM_001267550.2); short protein forms Y4418N.
Identifiers: ClinVar variation 229583 (VCV000229583.5), dbSNP rs876658104, ClinGen allele CA10576566.

ClinVar aggregate classification (germline): Uncertain significance (1 of 4 stars; one submission).

gnomAD v4.1: 1 of 1,612,632 alleles (0.000062%); no homozygotes.

Submission:

Laboratory for Molecular Medicine, Mass General Brigham Personalized Medicine
Classification: Uncertain significance. Last evaluated: 2015-05-01. Review status: criteria provided, single submitter. Criteria: LMM Criteria. Collection method: clinical testing. Allele origin: germline. Observed: 1 variant allele.
Comment: The p.Tyr4418Asn variant in TTN has not been previously reported in individuals with cardiomyopathy and was absent from large population studies. Computational prediction tools and conservation analysis are limited or unavailable for this v ariant. In summary, the clinical significance of the p.Tyr4418Asn variant is unc ertain.